The following is an entry in ClinVar:

ClinVar aggregate classification (germline): Uncertain significance (1 of 4 stars; one submission).

Submission:

Ambry Genetics
Classification: Uncertain significance. Last evaluated: 2026-03-09. Review status: criteria provided, single submitter. Criteria: Ambry Variant Classification Scheme 2023. Collection method: clinical testing. Allele origin: germline.
Comment: The p.A650G variant (also known as c.1949C>G), located in coding exon 19 of the KIF1B gene, results from a C to G substitution at nucleotide position 1949. The alanine at codon 650 is replaced by glycine, an amino acid with similar properties. This amino acid position is conserved. In addition, the in silico prediction for this alteration is inconclusive. Based on the available evidence, the clinical significance of this variant remains unclear.

NM_001365951.3(KIF1B):c.2087C>G (p.Ala696Gly)

Gene: KIF1B (kinesin family member 1B; plus strand). Cytogenetic location: 1p36.22.
Variant type: single nucleotide variant.
Coding change: c.2087C>G on transcript NM_001365951.3 (MANE Select); coding-DNA position 2087, C replaced by G.
Protein change: p.Ala696Gly; replaces alanine 696 with glycine.
Molecular consequence: missense variant.
Genome position (GRCh38, 1-based): chr1:10,297,218, C>G. VCF-style: chr1-10297218-C-G. GRCh37 (hg19) VCF-style: chr1-10357276-C-G.
Other names: c.2087C>G, p.Ala696Gly (NM_001365952.1); c.1949C>G, p.Ala650Gly (NM_001365953.1, NM_015074.3, NM_183416.4); short protein forms A650G, A696G.
Identifiers: ClinVar variation 4826097 (VCV004826097.1).